The following is an entry in ClinVar:

ClinVar aggregate classification (germline): Uncertain significance (1 of 4 stars; one submission).

Conditions:
Tuberous sclerosis 1 (TSC1). Identifiers: Orphanet 805, MedGen C1854465, MONDO:0008612, OMIM 191100.

Submission:

Labcorp Genetics (formerly Invitae), Labcorp
Classification: Uncertain significance for Tuberous sclerosis 1. Last evaluated: 2022-10-24. Review status: criteria provided, single submitter. Criteria: Invitae Variant Classification Sherloc (09022015). Collection method: clinical testing. Allele origin: germline.
Comment: This sequence change replaces proline, which is neutral and non-polar, with histidine, which is basic and polar, at codon 601 of the TSC1 protein (p.Pro601His). In summary, the available evidence is currently insufficient to determine the role of this variant in disease. Therefore, it has been classified as a Variant of Uncertain Significance. Advanced modeling of protein sequence and biophysical properties (such as structural, functional, and spatial information, amino acid conservation, physicochemical variation, residue mobility, and thermodynamic stability) performed at Invitae indicates that this missense variant is not expected to disrupt TSC1 protein function. ClinVar contains an entry for this variant (Variation ID: 933495). This variant has not been reported in the literature in individuals affected with TSC1-related conditions. This variant is not present in population databases (gnomAD no frequency).

NM_000368.5(TSC1):c.1802C>A (p.Pro601His)

Gene: TSC1 (TSC complex subunit 1; minus strand). Cytogenetic location: 9q34.13.
Variant type: single nucleotide variant.
Coding change: c.1802C>A on transcript NM_000368.5 (MANE Select); coding-DNA position 1802, C replaced by A.
Protein change: p.Pro601His; replaces proline 601 with histidine.
Molecular consequence: missense variant.
Genome position (GRCh38, 1-based): chr9:132,905,776, G>T on the plus strand (C>A on the coding strand, the complement: TSC1 is on the minus strand). VCF-style: chr9-132905776-G-T. GRCh37 (hg19) VCF-style: chr9-135781163-G-T.
Other names: c.1799C>A, p.Pro600His (NM_001162426.2); c.1649C>A, p.Pro550His (NM_001162427.2); c.1439C>A, p.Pro480His (NM_001362177.2); short protein forms P550H, P480H, P600H, P601H.
Identifiers: ClinVar variation 933495 (VCV000933495.9), dbSNP rs543077026, ClinGen allele CA375363413.
Genomic context (GRCh38, chr9:132,905,776, plus strand): 5'-ATGACAAAATGATGGGCTGTCTTTGGCAATGCCACCTCAAAAAGATGATCATACGGGGGA[G>T]GCTGCCCGCTTCCAAAGCCCACTCTCGTCGGAGGTGGAATTTTACAAGGACTGGGAGTGA-3'
Protein context (NP_000359.1, residues 591-611): PTRVGFGSGQ[Pro601His]PPYDHLFEVA